The following is an entry in ClinVar:

NM_007294.4(BRCA1):c.4935G>C (p.Arg1645Ser)

Gene: BRCA1 (BRCA1 DNA repair associated; minus strand). Cytogenetic location: 17q21.31.
Variant type: single nucleotide variant.
Coding change: c.4935G>C on transcript NM_007294.4 (MANE Select); coding-DNA position 4935, G replaced by C.
Protein change: p.Arg1645Ser; replaces arginine 1645 with serine.
Molecular consequence: missense variant. On other transcripts: non-coding transcript variant (1).
Genome position (GRCh38, 1-based): chr17:43,070,979, C>G on the plus strand (G>C on the coding strand, the complement: BRCA1 is on the minus strand). VCF-style: chr17-43070979-C-G. GRCh37 (hg19) VCF-style: chr17-41222996-C-G.
Other names: p.R1645S:AGG>AGC; c.4935G>C, p.Arg1645Ser (NM_001407652.1, NM_001407593.1, NM_001407594.1 and 8 more transcripts); c.4857G>C, p.Arg1619Ser (NM_001407653.1, NM_001407654.1, NM_001407655.1); c.4854G>C, p.Arg1618Ser (NM_001407656.1, NM_001407657.1, NM_001407658.1); c.4851G>C, p.Arg1617Ser (NM_001407659.1, NM_001407660.1, NM_001407661.1 and 2 more transcripts); c.4788G>C, p.Arg1596Ser (NM_001407839.1, NM_001407841.1, NM_001407842.1 and 12 more transcripts); c.4602G>C, p.Arg1534Ser (NM_001407946.1, NM_001407947.1, NM_001407948.1 and 1 more transcripts); c.4599G>C, p.Arg1533Ser (NM_001407950.1, NM_001407951.1, NM_001407952.1 and 3 more transcripts); and 71 more; short protein forms R1645S, R1666S, R1598S, R541S, R1491S, R1516S, R1534S, R1573S.
Identifiers: ClinVar variation 55321 (VCV000055321.34), dbSNP rs80357373, ClinGen allele CA003089.
Genomic context (GRCh38, chr17:43,070,979, plus strand): 5'-TACACTCACAAATTCTTCTGGGGTCAGGCCAGACACCACCATGGACATTCTTTTGTTGAC[C>G]CTTTCTGTTGAAGCTGTCAATTCTGGCTTCTCCCTGCTCACACTTTCTTCCATTGCATTA-3'
Protein context (NP_009225.1, residues 1635-1655): EKPELTASTE[Arg1645Ser]VNKRMSMVVS

ClinVar aggregate classification (germline): Conflicting classifications of pathogenicity. Review status: criteria provided, conflicting classifications (1 of 4 stars). 9 submissions from 9 submitters: Uncertain significance (3); Likely benign (3). 3 of the submissions do not count toward it. Last evaluated 2025-08-03.

Conditions:
Hereditary breast ovarian cancer syndrome. Also called: BRCA1- and BRCA2-Associated Hereditary Breast and Ovarian Cancer; Hereditary breast and ovarian cancer syndrome; Hereditary breast and ovarian cancer syndrome (HBOC); Breast and ovarian cancer; Hereditary breast and/or ovarian cancer syndrome; Hereditary breast and ovarian cancer. Identifiers: Orphanet 145, MedGen C0677776, MeSH D061325, MONDO:0003582. Disease mechanism: loss of function.
Breast-ovarian cancer, familial, susceptibility to, 1 (BROVCA1). Also called: BRCA1 Hereditary Breast and Ovarian Cancer; OVARIAN CANCER, SUSCEPTIBILITY TO. Identifiers: Orphanet 145, MedGen C2676676, MONDO:0011450, OMIM 604370. Disease mechanism: loss of function.
Hereditary cancer-predisposing syndrome. Also called: Hereditary Cancer Syndrome; Hereditary neoplastic syndrome; Neoplastic Syndromes, Hereditary; Tumor predisposition. Identifiers: Orphanet 140162, MedGen C0027672, MeSH D009386, MONDO:0015356.
Malignant tumor of breast. Also called: Cancer breast; Malignant breast neoplasm. Identifiers: MedGen C0006142, MONDO:0007254. Disease mechanism: loss of function.

Allele frequency attached by ClinVar (database versions not stated): gnomAD exomes below 0.00001; TOPMed 0.00001.
gnomAD v4.1: 5 of 1,614,176 alleles (0.00031%); highest among the groups gnomAD compares: East Asian, 0.0022%; no homozygotes.

Submissions (10):

Labcorp Genetics (formerly Invitae), Labcorp
Classification: Likely benign for Hereditary breast ovarian cancer syndrome. Last evaluated: 2025-08-03. Review status: criteria provided, single submitter. Criteria: Invitae Variant Classification Sherloc (09022015). Collection method: clinical testing. Allele origin: germline.

Ambry Genetics
Classification: Likely benign for Hereditary cancer-predisposing syndrome. Last evaluated: 2021-05-28. Review status: criteria provided, single submitter. Criteria: Ambry Variant Classification Scheme 2023. Collection method: clinical testing. Allele origin: germline.

Quest Diagnostics Nichols Institute San Juan Capistrano
Classification: Uncertain significance. Last evaluated: 2019-06-05. Review status: criteria provided, single submitter. Criteria: Quest Diagnostics criteria. Collection method: clinical testing. Allele origin: germline.

Mendelics
Classification: Uncertain significance for Breast-ovarian cancer, familial, susceptibility to, 1. Last evaluated: 2019-05-28. Review status: criteria provided, single submitter. Criteria: Mendelics Assertion Criteria 2017. Collection method: clinical testing. Allele origin: unknown.

GeneDx
Classification: Uncertain significance. Last evaluated: 2018-03-06. Review status: criteria provided, single submitter. Criteria: GeneDx Variant Classification (06012015). Collection method: clinical testing. Allele origin: germline. Affected: yes.
Comment: This variant is denoted BRCA1 c.4935G>C at the cDNA level, p.Arg1645Ser (R1645S) at the protein level, and results in the change of an Arginine to a Serine (AGG>AGC). This variant, also known as BRCA1 c.5054G>C by alternate nomenclature, has been observed in individuals with breast and/or ovarian cancer (Pal 2005, Haffty 2009, Ruiz 2014, Nakamura 2015). BRCA1 Arg1645Ser was not observed in large population cohorts (Lek 2016). Since Arginine and Serine differ in some properties, this is considered a semi-conservative amino acid substitution. BRCA1 Arg1645Ser is located in the BRCT1 domain and a region known to interact with multiple other proteins (Paul 2014). In silico analysis, which includes protein predictors and evolutionary conservation, supports that this variant does not alter protein structure/function. Based on currently available information, it is unclear whether BRCA1 Arg1645Ser is pathogenic or benign. We consider it to be a variant of uncertain significance.

Color Diagnostics, LLC DBA Color Health
Classification: Likely benign for Hereditary cancer-predisposing syndrome. Last evaluated: 2016-05-27. Review status: criteria provided, single submitter. Criteria: ACMG Guidelines, 2015. Collection method: clinical testing. Allele origin: germline.

Counsyl
Classification: Uncertain significance for Breast-ovarian cancer, familial, susceptibility to, 1. Last evaluated: 2016-11-03. Review status: no assertion criteria provided. Collection method: clinical testing. Allele origin: unknown. Not counted in ClinVar's aggregate classification.

Breast Cancer Information Core (BIC) (BRCA1)
Classification: Uncertain significance for Breast-ovarian cancer, familial 1. Last evaluated: 2003-12-23. Review status: no assertion criteria provided. Collection method: clinical testing. Allele origin: germline. Affected: yes. Observed: 1 variant allele. Not counted in ClinVar's aggregate classification.

Brotman Baty Institute, University of Washington
No classification provided (evidence only). Condition: Breast-ovarian cancer, familial 1. Review status: no classification provided. Collection method: in vitro. Allele origin: not applicable. Functional consequence: functionally_normal. Not counted in ClinVar's aggregate classification.
ClinVar note: "not provided" was previously submitted as the classification for the variant. However, the classification appeared to be based only on an observation of functional data so it was converted to no classification on 2025-07-30.

Department of Pathology and Laboratory Medicine, Sinai Health System
Classification: Uncertain significance for Malignant tumor of breast. Review status: no assertion criteria provided. Collection method: clinical testing. Allele origin: unknown. Affected: yes. Observed: 1 variant allele. Study: The Canadian Open Genetics Repository (COGR). Not counted in ClinVar's aggregate classification.
Comment: The BRCA1 p.Arg1645Ser variant was identified in 3 of 1332 proband chromosomes (frequency: 0.002) from individuals or families with Ovarian and Breast cancers (Haffty 2009, Pal 2005, Ruiz 2014). The variant was also identified in dbSNP (ID: rs80357373 â€šÃ„ÃºWith Uncertain significance alleleâ€šÃ„Ã¹. This variant was not identified in the Exome Variant Server project and Exome Aggregation Consortium (ExAC-released March 14, 2016) databases. The p.Arg1645Ser variant was identified in the Clinvar database and was classified as variant of uncertain significance by Ambry Genetics, GeneDx and BIC; Invitae did not provide a classification. The BIC database identified the variant 1X with unknown clinical importance. The p.Arg1645 residue is not conserved in mammals and computational analyses (PolyPhen-2, SIFT, AlignGVGD, BLOSUM, MutationTaster) do not suggest a high likelihood of impact to the protein. However, this information is not predictive enough to rule out pathogenicity. The variant amino acid Serine (Ser) is present in African clawed frog, increasing the likelihood that this variant does not have clinical significance. In summary, based on the above information, the clinical significance of this variant cannot be determined with certainty at this time. This variant is classified as a variant of uncertain significance.

Literature cited by the submitters: PubMed 16284991 (cited by 3 submitters); PubMed 19491284 (cited by 3 submitters); PubMed 24249303 (cited by 3 submitters); PubMed 25136594 (cited by 3 submitters); PubMed 28781887 (cited by Ambry Genetics); PubMed 29176636 (cited by Ambry Genetics); PubMed 30209399 (cited by Ambry Genetics); PubMed 30287823 (cited by Ambry Genetics); PubMed 30765603 (cited by Ambry Genetics).